The following is an entry in ClinVar:

ClinVar aggregate classification (germline): Uncertain significance. Review status: criteria provided, multiple submitters, no conflicts (2 of 4 stars). 2 submissions from 2 submitters: Uncertain significance (2). Last evaluated 2025-10-22.

Allele frequency attached by ClinVar (database versions not stated): gnomAD 0.00001; TOPMed 0.00001; ExAC 0.00002; gnomAD exomes 0.00002; 1000 Genomes Project 30x 0.00016; 1000 Genomes Project 0.00020.
gnomAD v4.1: 27 of 1,614,186 alleles (0.0017%); highest among the groups gnomAD compares: African/African-American, 0.0027%; no homozygotes.

Submissions (2):

Ambry Genetics
Classification: Uncertain significance. Last evaluated: 2025-10-22. Review status: criteria provided, single submitter. Criteria: Ambry Variant Classification Scheme 2023. Collection method: clinical testing. Allele origin: germline.

Labcorp Genetics (formerly Invitae), Labcorp
Classification: Uncertain significance. Last evaluated: 2023-10-23. Review status: criteria provided, single submitter. Criteria: Invitae Variant Classification Sherloc (09022015). Collection method: clinical testing. Allele origin: germline.
Comment: This sequence change replaces methionine, which is neutral and non-polar, with valine, which is neutral and non-polar, at codon 835 of the ARHGEF10 protein (p.Met835Val). This variant is present in population databases (rs535075528, gnomAD 0.004%). This variant has not been reported in the literature in individuals affected with ARHGEF10-related conditions. Advanced modeling of protein sequence and biophysical properties (such as structural, functional, and spatial information, amino acid conservation, physicochemical variation, residue mobility, and thermodynamic stability) has been performed at Invitae for this missense variant, however the output from this modeling did not meet the statistical confidence thresholds required to predict the impact of this variant on ARHGEF10 protein function. In summary, the available evidence is currently insufficient to determine the role of this variant in disease. Therefore, it has been classified as a Variant of Uncertain Significance.

NM_014629.4(ARHGEF10):c.2503A>G (p.Met835Val)

Gene: ARHGEF10 (Rho guanine nucleotide exchange factor 10; plus strand). Cytogenetic location: 8p23.3.
Variant type: single nucleotide variant.
Coding change: c.2503A>G on transcript NM_014629.4 (MANE Select); coding-DNA position 2503, A replaced by G.
Protein change: p.Met835Val; replaces methionine 835 with valine.
Molecular consequence: missense variant.
Genome position (GRCh38, 1-based): chr8:1,925,297, A>G. VCF-style: chr8-1925297-A-G. GRCh37 (hg19) VCF-style: chr8-1873463-A-G.
Other names: c.2389A>G, p.Met797Val (NM_001308152.2); c.2503A>G, p.Met835Val (NM_001308153.3); short protein forms M835V, M797V, M859V.
Identifiers: ClinVar variation 2871373 (VCV002871373.4), dbSNP rs535075528, ClinGen allele CA4600913.